The following is an entry in ClinVar:

ClinVar aggregate classification (germline): Uncertain significance (1 of 4 stars; one submission).

Submission:

GeneDx
Classification: Uncertain significance. Last evaluated: 2024-06-16. Review status: criteria provided, single submitter. Criteria: GeneDx Variant Classification Process June 2021. Collection method: clinical testing. Allele origin: germline. Affected: yes.
Comment: Not observed at significant frequency in large population cohorts (gnomAD); In silico analysis supports that this missense variant has a deleterious effect on protein structure/function; Has not been previously published as pathogenic or benign to our knowledge

NM_004371.4(COPA):c.1915C>G (p.Leu639Val)

Gene: COPA (COPI coat complex subunit alpha; minus strand). Cytogenetic location: 1q23.2.
Variant type: single nucleotide variant.
Coding change: c.1915C>G on transcript NM_004371.4 (MANE Select); coding-DNA position 1915, C replaced by G.
Protein change: p.Leu639Val; replaces leucine 639 with valine.
Molecular consequence: missense variant.
Genome position (GRCh38, 1-based): chr1:160,298,907, G>C on the plus strand (C>G on the coding strand, the complement: COPA is on the minus strand). VCF-style: chr1-160298907-G-C. GRCh37 (hg19) VCF-style: chr1-160268697-G-C.
Other names: c.1942C>G, p.Leu648Val (NM_001098398.2); short protein forms L639V, L648V.
Identifiers: ClinVar variation 2575712 (VCV002575712.2), dbSNP rs2525367619, ClinGen allele CA343280325.